The following is an entry in ClinVar:

NM_001031689.3(PLAA):c.1068C>G (p.Ile356Met)

Gene: PLAA (phospholipase A2 activating protein; minus strand). Cytogenetic location: 9p21.2.
Variant type: single nucleotide variant.
Coding change: c.1068C>G on transcript NM_001031689.3 (MANE Select); coding-DNA position 1068, C replaced by G.
Protein change: p.Ile356Met; replaces isoleucine 356 with methionine.
Molecular consequence: missense variant.
Genome position (GRCh38, 1-based): chr9:26,920,356, G>C on the plus strand (C>G on the coding strand, the complement: PLAA is on the minus strand). VCF-style: chr9-26920356-G-C. GRCh37 (hg19) VCF-style: chr9-26920354-G-C.
Other names: c.1068C>G, p.Ile356Met (NM_001321546.2); c.1068C>G (NM_001031689.2); short protein forms I356M.
Identifiers: ClinVar variation 1440518 (VCV001440518.7), dbSNP rs372992154, ClinGen allele CA5014469.

ClinVar aggregate classification (germline): Uncertain significance. Review status: criteria provided, multiple submitters, no conflicts (2 of 4 stars). 4 submissions from 4 submitters: Uncertain significance (4). Last evaluated 2023-07-11.

Conditions:
Neurodevelopmental disorder with progressive microcephaly, spasticity, and brain anomalies. Identifiers: Orphanet 521426, MedGen C4479631, MONDO:0060502, OMIM 617527.
Inborn genetic diseases. Identifiers: MedGen C0950123, MeSH D030342.

Allele frequency attached by ClinVar (database versions not stated): ExAC 0.00002; ESP Exome Variant Server 0.00008; 1000 Genomes Project 30x 0.00016; 1000 Genomes Project 0.00020.
gnomAD v4.1: 19 of 1,612,756 alleles (0.0012%); highest among the groups gnomAD compares: Middle Eastern, 0.017%; no homozygotes.

Submissions (4):

Blueprint Genetics
Classification: Uncertain significance. Last evaluated: 2023-07-11. Review status: criteria provided, single submitter. Criteria: ACMG Guidelines, 2015. Collection method: clinical testing. Allele origin: germline.

Revvity Omics, Revvity
Classification: Uncertain significance for Neurodevelopmental disorder with progressive microcephaly, spasticity, and brain anomalies. Last evaluated: 2023-02-17. Review status: criteria provided, single submitter. Criteria: ACMG Guidelines, 2015. Collection method: clinical testing. Allele origin: germline.

Labcorp Genetics (formerly Invitae), Labcorp
Classification: Uncertain significance. Last evaluated: 2022-08-23. Review status: criteria provided, single submitter. Criteria: Invitae Variant Classification Sherloc (09022015). Collection method: clinical testing. Allele origin: germline.
Comment: This sequence change replaces isoleucine, which is neutral and non-polar, with methionine, which is neutral and non-polar, at codon 356 of the PLAA protein (p.Ile356Met). This variant is present in population databases (rs372992154, gnomAD 0.007%). This variant has not been reported in the literature in individuals affected with PLAA-related conditions. ClinVar contains an entry for this variant (Variation ID: 1440518). Algorithms developed to predict the effect of missense changes on protein structure and function are either unavailable or do not agree on the potential impact of this missense change (SIFT: "Tolerated"; PolyPhen-2: "Probably Damaging"; Align-GVGD: "Class C0"). In summary, the available evidence is currently insufficient to determine the role of this variant in disease. Therefore, it has been classified as a Variant of Uncertain Significance.

Ambry Genetics
Classification: Uncertain significance for Inborn genetic diseases. Last evaluated: 2021-07-21. Review status: criteria provided, single submitter. Criteria: Ambry Variant Classification Scheme 2023. Collection method: clinical testing. Allele origin: germline.